The following is an entry in ClinVar:

ClinVar aggregate classification (germline): Uncertain significance. Review status: reviewed by expert panel (3 of 4 stars). 6 submissions from 6 submitters: Uncertain significance (1). 5 of the submissions do not count toward it. Last evaluated 2025-06-11.

Conditions:
ATM-related cancer predisposition. Also called: ATM-related cancer susceptibility. Identifiers: MedGen CN377759, MONDO:0700270.
Hereditary cancer-predisposing syndrome. Also called: Hereditary Cancer Syndrome; Neoplastic Syndromes, Hereditary; Tumor predisposition; Hereditary neoplastic syndrome. Identifiers: Orphanet 140162, MedGen C0027672, MeSH D009386, MONDO:0015356.
Familial cancer of breast. Also called: BREAST CANCER, FAMILIAL; Hereditary breast cancer; hereditary breast carcinoma. Identifiers: Orphanet 227535, MedGen C0346153, MONDO:0016419, OMIM 114480. Disease mechanism: loss of function.
Ataxia-telangiectasia syndrome (AT). Also called: Cerebello-oculocutaneous telangiectasia; Immunodeficiency with ataxia telangiectasia; Ataxia-telangiectasia, complementation group E; Ataxia-telangiectasia, complementation group D; AT, COMPLEMENTATION GROUP C; ATAXIA-TELANGIECTASIA, COMPLEMENTATION GROUP A. Identifiers: Orphanet 100, MedGen C0004135, MONDO:0008840, OMIM 208900.

Submissions (6):

ClinGen Hereditary Breast, Ovarian and Pancreatic Cancer Variant Curation Expert Panel, ClinGen
Classification: Uncertain significance for ATM-related cancer predisposition. Last evaluated: 2025-06-11. Review status: reviewed by expert panel. Criteria: ClinGen HBOP ACMG Specifications ATM V1.3.0. Collection method: curation. Allele origin: germline. Inheritance: Autosomal dominant inheritance.
Comment: The c.9145_9146del variant in ATM is predicted to cause a change in the length of the protein (p.Phe3049Profs*13) due to a frameshift of 8 amino acids and an extension of an additional 4 amino acids. This variant has been detected in at least one individual with Ataxia-Telangiectasia (PMID: 10817650). This variant is absent from gnomAD v4.1.0. In summary, this variant meets the criteria to be classified as a variant of uncertain significance for autosomal dominant ATM-related cancer predisposition and autosomal recessive Ataxia-Telangiectasia based on the ACMG/AMP criteria applied as specified by the HBOP VCEP. (PM4, PM3, PM2_Supporting)

Ambry Genetics
Classification: Likely pathogenic for Hereditary cancer-predisposing syndrome. Last evaluated: 2025-12-09. Review status: criteria provided, single submitter. Criteria: Ambry Variant Classification Scheme 2023. Collection method: clinical testing. Allele origin: germline. Not counted in ClinVar's aggregate classification.
Comment: The c.9145_9146delTT variant, located in coding exon 62 of the ATM gene, results from a deletion of two nucleotides at nucleotide positions 9145 to 9146, causing a translational frameshift with a predicted alternate stop codon (p.F3049Pfs*13). This alteration occurs at the 3' terminus of the gene, is not expected to trigger nonsense-mediated mRNAdecay and results in the elongation of the protein by 4 amino acids. This frameshift impacts the last 8amino acids of the native protein. Based on internal structural analysis, p.F3049PfsTer13 is deleterious (Ambry internal data). This variant has been identified in the homozygous state and/or in conjunction with other ATM variant(s) in individual(s) with features consistent with ataxia telangiectasia (Li A et al. Am. J. Med. Genet., 2000 May;92:170-7). Based on the majority of available evidence to date, this variant is likely to be pathogenic.

Labcorp Genetics (formerly Invitae), Labcorp
Classification: Likely pathogenic for Ataxia-telangiectasia syndrome. Last evaluated: 2024-10-29. Review status: criteria provided, single submitter. Criteria: Invitae Variant Classification Sherloc (09022015). Collection method: clinical testing. Allele origin: germline. Not counted in ClinVar's aggregate classification.
Comment: This sequence change results in a frameshift in the ATM gene (p.Phe3049Profs*13). While this is not anticipated to result in nonsense mediated decay, it is expected to disrupt the last 8 amino acid(s) of the ATM protein and extend the protein by 4 additional amino acid residues. This variant is not present in population databases (gnomAD no frequency). This frameshift has been observed in individual(s) with ataxia-telangiectasia (PMID: 10817650). In at least one individual the data is consistent with being in trans (on the opposite chromosome) from a pathogenic variant. ClinVar contains an entry for this variant (Variation ID: 524412). This variant disrupts the FATC domain, which spans the last 33 amino acids of the ATM protein and is required for ATM kinase activity in response to DNA damage (PMID: 19781682, 16603769). While functional studies have not been performed to directly test the effect of this variant on ATM protein function, this suggests that disruption of this region of the protein is causative of disease. In summary, the currently available evidence indicates that the variant is pathogenic, but additional data are needed to prove that conclusively. Therefore, this variant has been classified as Likely Pathogenic.

Myriad Genetics, Inc.
Classification: Likely pathogenic for Familial cancer of breast. Last evaluated: 2024-02-06. Review status: criteria provided, single submitter. Criteria: Myriad Autosomal Dominant, Autosomal Recessive and X-Linked Classification Criteria (2023). Collection method: clinical testing. Allele origin: unknown. Not counted in ClinVar's aggregate classification.
Comment: This variant is considered likely pathogenic. This variant creates a frameshift predicted to result in the incorporation of abnormal amino acid sequence into the protein product and abnormal protein elongation. This variant has been reported in multiple individuals with clinical features of gene-specific disease [PMID: 10817650, 16266405, 25614872, 15039971, 21965147].

Baylor Genetics
Classification: Likely pathogenic for Familial cancer of breast. Last evaluated: 2022-09-08. Review status: criteria provided, single submitter. Criteria: ACMG Guidelines, 2015. Collection method: clinical testing. Allele origin: unknown. Not counted in ClinVar's aggregate classification.

Color Diagnostics, LLC DBA Color Health
Classification: Likely pathogenic for Hereditary cancer-predisposing syndrome. Last evaluated: 2020-01-15. Review status: criteria provided, single submitter. Criteria: ACMG Guidelines, 2015. Collection method: clinical testing. Allele origin: germline. Not counted in ClinVar's aggregate classification.
Comment: This variant deletes 2 nucleotides in exon 63 of the ATM gene, creating a frameshift and premature translation stop signal. This variant is expected to result in an absent or non-functional protein product. This variant has not been identified in the general population by the Genome Aggregation Database (gnomAD). Loss of ATM function is a known mechanism of disease. Based on the available evidence, this variant is classified as Likely Pathogenic.

Literature cited by the submitters: PubMed 10817650 (cited by 3 submitters); PubMed 19781682 (cited by Labcorp Genetics (formerly Invitae), Labcorp); PubMed 16603769 (cited by Labcorp Genetics (formerly Invitae), Labcorp); PubMed 16266405 (cited by Myriad Genetics, Inc.); PubMed 25614872 (cited by Myriad Genetics, Inc.); PubMed 15039971 (cited by Myriad Genetics, Inc.); PubMed 21965147 (cited by Myriad Genetics, Inc.).

NM_000051.4(ATM):c.9145_9146del (p.Phe3049fs)

Genes: ATM (ATM serine/threonine kinase; plus strand), C11orf65 (chromosome 11 open reading frame 65; minus strand). Cytogenetic location: 11q22.3.
Variant type: Deletion.
Coding change: c.9145_9146del on transcript NM_000051.4 (MANE Select); coding-DNA positions 9145 to 9146, 2 bases deleted (TT; older notation c.9145_9146delTT).
Protein change: p.Phe3049fs; shifts the reading frame from phenylalanine 3049.
Molecular consequence: frameshift variant. On other transcripts: intron variant (2).
Genome position (GRCh38, 1-based): chr11:108,365,482-108,365,483, TT deleted; deleting any 2 consecutive bases within chr11:108,365,480-108,365,483 gives the same sequence; the c. name uses the placement nearest the transcript's 3' end. VCF-style (leftmost placement, unchanged base first): chr11-108365479-CTT-C. GRCh37 (hg19) VCF-style: chr11-108236206-CTT-C.
Other names: NM_000051.4(ATM):c.9145_9146del; p.Phe3049fs; c.9145_9146delTT, p.Phe3049Profs (NM_000051.3); c.9145_9146del, p.Phe3049fs (NM_001351834.2); c.640+20439_640+20440del (NM_001330368.2); c.694+20439_694+20440del (NM_001351110.2); short protein forms F3049fs.
Identifiers: ClinVar variation 524412 (VCV000524412.17), dbSNP rs1555152058, ClinGen allele CA658797748.
Genomic context (GRCh38, chr11:108,365,479, plus strand): 5'-GTTGGTGGACAAGTGAATTTGCTCATACAGCAGGCCATAGACCCCAAAAATCTCAGCCGA[CTT>C]TTCCCAGGATGGAAAGCTTGGGTGTGATCTTCAGTATATGAATTACCCTTTCATTCAGCC-3'